The following is an entry in ClinVar:

ClinVar aggregate classification (germline): Benign/Likely benign. Review status: criteria provided, multiple submitters, no conflicts (2 of 4 stars). 3 submissions from 3 submitters: Benign (1); Likely benign (2). Last evaluated 2025-06-12.

Conditions:
Von Hippel-Lindau syndrome (VHLS). Also called: von Hippel–Lindau syndrome; VHL syndrome; Von Hippel-Lindau. Identifiers: Orphanet 892, MedGen C0019562, MONDO:0008667, OMIM 193300. Disease mechanism: loss of function.
Chuvash polycythemia. Also called: POLYCYTHEMIA, VHL-DEPENDENT. Identifiers: Orphanet 238557, MedGen C1837915, MONDO:0009892, OMIM 263400.
Hereditary cancer-predisposing syndrome. Also called: Neoplastic Syndromes, Hereditary; Tumor predisposition; Hereditary Cancer Syndrome; Hereditary neoplastic syndrome. Identifiers: Orphanet 140162, MedGen C0027672, MeSH D009386, MONDO:0015356.

Allele frequency attached by ClinVar (database versions not stated): gnomAD exomes below 0.00001; TOPMed 0.00001; gnomAD 0.00003.
gnomAD v4.1: 6 of 1,613,536 alleles (0.00037%); highest among the groups gnomAD compares: African/African-American, 0.0053%; no homozygotes.

Submissions (3):

Myriad Genetics, Inc.
Classification: Benign for Von Hippel-Lindau syndrome. Last evaluated: 2025-06-12. Review status: criteria provided, single submitter. Criteria: Myriad Autosomal Dominant, Autosomal Recessive and X-Linked Classification Criteria (2023). Collection method: clinical testing. Allele origin: unknown.
Comment: This variant is considered benign. This variant is a silent/synonymous amino acid change and it is not expected to impact splicing.

Labcorp Genetics (formerly Invitae), Labcorp
Classification: Likely benign for Von Hippel-Lindau syndrome; Chuvash polycythemia. Last evaluated: 2023-07-11. Review status: criteria provided, single submitter. Criteria: Invitae Variant Classification Sherloc (09022015). Collection method: clinical testing. Allele origin: germline.

Ambry Genetics
Classification: Likely benign for Hereditary cancer-predisposing syndrome. Last evaluated: 2021-06-09. Review status: criteria provided, single submitter. Criteria: Ambry Variant Classification Scheme 2023. Collection method: clinical testing. Allele origin: germline.

NM_000551.4(VHL):c.456A>G (p.Thr152=)

Genes: VHL (von Hippel-Lindau tumor suppressor; plus strand), LOC107303340 (3p25 von Hippel-Lindau tumor suppressor, E3 ubiquitin protein ligase Alu-mediated recombination region; plus strand). Cytogenetic location: 3p25.3.
Variant type: single nucleotide variant.
Coding change: c.456A>G on transcript NM_000551.4 (MANE Select); coding-DNA position 456, A replaced by G.
Protein change: p.Thr152=; no amino-acid change (threonine 152 retained).
Molecular consequence: synonymous variant. On other transcripts: non-coding transcript variant (1), intron variant (2).
Genome position (GRCh38, 1-based): chr3:10,146,629, A>G. VCF-style: chr3-10146629-A-G. GRCh37 (hg19) VCF-style: chr3-10188313-A-G.
Other names: c.*18-3158A>G (NM_001354723.2); c.341-3158A>G (NM_198156.3).
Identifiers: ClinVar variation 1741538 (VCV001741538.8), dbSNP rs1276364231, ClinGen allele CA432421917.